The following is an entry in ClinVar:

NM_198576.4(AGRN):c.4977-10A>G

Gene: AGRN (agrin; plus strand). Cytogenetic location: 1p36.33.
Variant type: single nucleotide variant.
Coding change: c.4977-10A>G on transcript NM_198576.4 (MANE Select); 10 bases into the intron before coding-DNA position 4977, A replaced by G.
Molecular consequence: intron variant.
Genome position (GRCh38, 1-based): chr1:1,050,417, A>G. VCF-style: chr1-1050417-A-G. GRCh37 (hg19) VCF-style: chr1-985797-A-G.
Other names: p.?; c.4977-10A>G (NM_001305275.2); c.4662-10A>G (NM_001364727.2).
Identifiers: ClinVar variation 263193 (VCV000263193.15), dbSNP rs142286944, ClinGen allele CA509814.
Genomic context (GRCh38, chr1:1,050,417, plus strand): 5'-GCCGGCCCCCACCTCCGTCTCTCCTGTGGGGAGGGGACAGCAAAGACACCCCGACTCCCC[A>G]TGACCCCAGGGAGAAGATGGCGCTGGAGGTCGTGTTCCTGGCACGAGGCCCCAGCGGCCT-3'

ClinVar aggregate classification (germline): Benign. Review status: criteria provided, multiple submitters, no conflicts (2 of 4 stars). 6 submissions from 6 submitters: Benign (6). Last evaluated 2026-02-02.

Conditions:
Congenital myasthenic syndrome 8. Also called: Myasthenic syndrome, congenital, 8, with pre- and postsynaptic defects; MYASTHENIC SYNDROME, CONGENITAL, DUE TO AGRIN DEFICIENCY. Identifiers: Orphanet 590, MedGen C3808739, MONDO:0014052, OMIM 615120.

Allele frequency attached by ClinVar (database versions not stated): 1000 Genomes Project 30x 0.01077; 1000 Genomes Project 0.01078; TOPMed 0.01731; gnomAD 0.01820 and 0.01828; gnomAD exomes 0.01837 and 0.02654; ExAC 0.01924; ESP Exome Variant Server 0.02085.
gnomAD v4.1: 41,466 of 1,612,724 alleles (2.6%); highest among the groups gnomAD compares: Non-Finnish European, 3%; 655 homozygotes.

Submissions (6):

Labcorp Genetics (formerly Invitae), Labcorp
Classification: Benign for Congenital myasthenic syndrome 8. Last evaluated: 2026-02-02. Review status: criteria provided, single submitter. Criteria: Invitae Variant Classification Sherloc (09022015). Collection method: clinical testing. Allele origin: germline.

Athena Diagnostics
Classification: Benign. Last evaluated: 2025-06-02. Review status: criteria provided, single submitter. Criteria: Athena Diagnostics Criteria. Collection method: clinical testing. Allele origin: unknown.
Comment: The frequency of this variant in the general population is higher than would generally be expected for pathogenic variants in this gene.

Mayo Clinic Laboratories, Mayo Clinic
Classification: Benign. Last evaluated: 2022-02-04. Review status: criteria provided, single submitter. Criteria: ACMG Guidelines, 2015. Collection method: clinical testing. Allele origin: germline. Observed: 16 variant alleles.
Comment: BS1, BS2, BP4

GeneDx
Classification: Benign. Last evaluated: 2016-06-21. Review status: criteria provided, single submitter. Criteria: GeneDx Variant Classification (06012015). Collection method: clinical testing. Allele origin: germline. Affected: yes.
Comment: This variant is considered likely benign or benign based on one or more of the following criteria: it is a conservative change, it occurs at a poorly conserved position in the protein, it is predicted to be benign by multiple in silico algorithms, and/or has population frequency not consistent with disease.

Breakthrough Genomics
Classification: Benign. Review status: criteria provided, single submitter. Criteria: ACMG Guidelines, 2015. Collection method: not provided. Allele origin: germline. Inheritance: Autosomal recessive inheritance. Affected: yes.

PreventionGenetics, part of Exact Sciences
Classification: Benign. Review status: criteria provided, single submitter. Criteria: ACMG Guidelines, 2015. Collection method: clinical testing. Allele origin: germline.

Literature cited by the submitters: PubMed 26744305 (cited by Athena Diagnostics).